The following is an entry in ClinVar:

NM_000278.5(PAX2):c.674G>A (p.Arg225Gln)

Gene: PAX2 (paired box 2; plus strand). Cytogenetic location: 10q24.31.
Variant type: single nucleotide variant.
Coding change: c.674G>A on transcript NM_000278.5 (MANE Select); coding-DNA position 674, G replaced by A.
Protein change: p.Arg225Gln; replaces arginine 225 with glutamine.
Molecular consequence: missense variant.
Genome position (GRCh38, 1-based): chr10:100,806,487, G>A. VCF-style: chr10-100806487-G-A. GRCh37 (hg19) VCF-style: chr10-102566244-G-A.
Other names: c.767G>A, p.Arg256Gln (NM_001304569.2); c.743G>A, p.Arg248Gln (NM_003987.5, NM_003990.5); c.674G>A, p.Arg225Gln (NM_003988.5, NM_003989.5); short protein forms R248Q, R225Q, R256Q.
Identifiers: ClinVar variation 2205234 (VCV002205234.4), dbSNP rs765955789, ClinGen allele CA5650826.

ClinVar aggregate classification (germline): Uncertain significance. Review status: criteria provided, multiple submitters, no conflicts (2 of 4 stars). 2 submissions from 2 submitters: Uncertain significance (2). Last evaluated 2024-11-13.

Conditions:
Renal coloboma syndrome (PAPRS). Also called: OPTIC COLOBOMA, VESICOURETERAL REFLUX, AND RENAL ANOMALIES; OPTIC NERVE COLOBOMA WITH RENAL DISEASE; RENAL-COLOBOMA SYNDROME WITH MACULAR ABNORMALITIES; PAPILLORENAL SYNDROME; COLOBOMA OF OPTIC NERVE WITH RENAL DISEASE; PAPILLORENAL SYNDROME WITH MILD OCULAR ABNORMALITIES. Identifiers: Orphanet 1475, MedGen C1852759, MONDO:0007352, OMIM 120330.
Focal segmental glomerulosclerosis 7 (FSGS7). Identifiers: Orphanet 656, MedGen C4014925, MONDO:0014451, OMIM 616002.
Inborn genetic diseases. Identifiers: MedGen C0950123, MeSH D030342.

Allele frequency attached by ClinVar (database versions not stated): ExAC 0.00001; TOPMed 0.00001; gnomAD 0.00002.
gnomAD v4.1: 44 of 1,614,088 alleles (0.0027%); highest among the groups gnomAD compares: African/African-American, 0.004%; no homozygotes.

Submissions (2):

Labcorp Genetics (formerly Invitae), Labcorp
Classification: Uncertain significance for Renal coloboma syndrome; Focal segmental glomerulosclerosis 7. Last evaluated: 2024-11-13. Review status: criteria provided, single submitter. Criteria: Invitae Variant Classification Sherloc (09022015). Collection method: clinical testing. Allele origin: germline.
Comment: This sequence change replaces arginine, which is basic and polar, with glutamine, which is neutral and polar, at codon 225 of the PAX2 protein (p.Arg225Gln). This variant is present in population databases (rs765955789, gnomAD 0.005%). This variant has not been reported in the literature in individuals affected with PAX2-related conditions. ClinVar contains an entry for this variant (Variation ID: 2205234). An algorithm developed to predict the effect of missense changes on protein structure and function (PolyPhen-2) suggests that this variant is likely to be disruptive. In summary, the available evidence is currently insufficient to determine the role of this variant in disease. Therefore, it has been classified as a Variant of Uncertain Significance.

Ambry Genetics
Classification: Uncertain significance for Inborn genetic diseases. Last evaluated: 2021-06-22. Review status: criteria provided, single submitter. Criteria: Ambry Variant Classification Scheme 2023. Collection method: clinical testing. Allele origin: germline.